The following is an entry in ClinVar:

NM_004239.4(TRIP11):c.2305C>G (p.Gln769Glu)

Gene: TRIP11 (thyroid hormone receptor interactor 11; minus strand). Cytogenetic location: 14q32.12.
Variant type: single nucleotide variant.
Coding change: c.2305C>G on transcript NM_004239.4 (MANE Select); coding-DNA position 2305, C replaced by G.
Protein change: p.Gln769Glu; replaces glutamine 769 with glutamic acid.
Molecular consequence: missense variant.
Genome position (GRCh38, 1-based): chr14:92,005,671, G>C on the plus strand (C>G on the coding strand, the complement: TRIP11 is on the minus strand). VCF-style: chr14-92005671-G-C. GRCh37 (hg19) VCF-style: chr14-92472015-G-C.
Other names: c.2302C>G, p.Gln768Glu (NM_001321851.1); short protein forms Q769E, Q768E.
Identifiers: ClinVar variation 388775 (VCV000388775.2), dbSNP rs371642981, ClinGen allele CA7313797.

ClinVar aggregate classification (germline): Uncertain significance (1 of 4 stars; one submission).

Allele frequency attached by ClinVar (database versions not stated): gnomAD exomes 0.00004 and 0.00011; ExAC 0.00014; ESP Exome Variant Server 0.00031; TOPMed 0.00045; gnomAD 0.00051 and 0.00052; 1000 Genomes Project 30x 0.00078; 1000 Genomes Project 0.00100.
gnomAD v4.1: 135 of 1,613,588 alleles (0.0084%); highest among the groups gnomAD compares: African/African-American, 0.16%; no homozygotes.

Submission:

GeneDx
Classification: Uncertain significance. Last evaluated: 2016-08-18. Review status: criteria provided, single submitter. Criteria: GeneDx Variant Classification (06012015). Collection method: clinical testing. Allele origin: germline. Affected: yes.
Comment: A novel Q769E variant was identified in the TRIP11 gene. The Q769E variant has not been published as a pathogenic variant, nor has it been reported as a benign variant to our knowledge. The Q769E variant was not observed at any significant frequency in approximately 4,400 alleles of European and African American ancestry in the NHLBI Exome Sequencing Project, indicating it is not a common benign variant in these populations. The Q769E variant is a semi-conservative amino acid substitution, which may impact secondary protein structure as these residues differ in some properties. This substitution occurs at a position that is not conserved. In silico analysis is inconsistent in its predictions as to whether or not the variant is damaging to the protein structure/function.